The following is an entry in ClinVar:

ClinVar aggregate classification (germline): Uncertain significance. Review status: criteria provided, multiple submitters, no conflicts (2 of 4 stars). 2 submissions from 2 submitters: Uncertain significance (2). Last evaluated 2025-01-19.

Allele frequency attached by ClinVar (database versions not stated): gnomAD exomes 0.00002; gnomAD 0.00003; ExAC 0.00004; TOPMed 0.00005.
gnomAD v4.1: 25 of 1,586,394 alleles (0.0016%); highest among the groups gnomAD compares: Admixed American, 0.042%; no homozygotes.

Submissions (2):

Women's Health and Genetics/Laboratory Corporation of America, LabCorp
Classification: Uncertain significance. Last evaluated: 2025-01-19. Review status: criteria provided, single submitter. Criteria: LabCorp Variant Classification Summary - May 2015. Collection method: clinical testing. Allele origin: germline.

Labcorp Genetics (formerly Invitae), Labcorp
Classification: Uncertain significance. Last evaluated: 2024-02-16. Review status: criteria provided, single submitter. Criteria: Invitae Variant Classification Sherloc (09022015). Collection method: clinical testing. Allele origin: germline.
Comment: This sequence change falls in intron 6 of the LRPPRC gene. It does not directly change the encoded amino acid sequence of the LRPPRC protein. It affects a nucleotide within the consensus splice site. This variant is present in population databases (rs777013800, gnomAD 0.07%). This variant has not been reported in the literature in individuals affected with LRPPRC-related conditions. ClinVar contains an entry for this variant (Variation ID: 2082779). Variants that disrupt the consensus splice site are a relatively common cause of aberrant splicing (PMID: 17576681, 9536098). Algorithms developed to predict the effect of sequence changes on RNA splicing suggest that this variant is not likely to affect RNA splicing. In summary, the available evidence is currently insufficient to determine the role of this variant in disease. Therefore, it has been classified as a Variant of Uncertain Significance.

Literature cited by the submitters: PubMed 17576681 (cited by Labcorp Genetics (formerly Invitae), Labcorp); PubMed 9536098 (cited by Labcorp Genetics (formerly Invitae), Labcorp).

NM_133259.4(LRPPRC):c.737+5T>C

Gene: LRPPRC (leucine rich pentatricopeptide repeat containing; minus strand). Cytogenetic location: 2p21.
Variant type: single nucleotide variant.
Coding change: c.737+5T>C on transcript NM_133259.4 (MANE Select); 5 bases into the intron after coding-DNA position 737, T replaced by C.
Molecular consequence: intron variant.
Genome position (GRCh38, 1-based): chr2:43,976,138, A>G on the plus strand (T>C on the coding strand, the complement: LRPPRC is on the minus strand). VCF-style: chr2-43976138-A-G. GRCh37 (hg19) VCF-style: chr2-44203277-A-G.
Identifiers: ClinVar variation 2082779 (VCV002082779.4), dbSNP rs777013800, ClinGen allele CA1639241.